The following is an entry in ClinVar:

NM_000245.4(MET):c.1170C>T (p.Tyr390=)

Gene: MET (MET proto-oncogene, receptor tyrosine kinase; plus strand). Cytogenetic location: 7q31.2.
Variant type: single nucleotide variant.
Coding change: c.1170C>T on transcript NM_000245.4 (MANE Select); coding-DNA position 1170, C replaced by T.
Protein change: p.Tyr390=; no amino-acid change (tyrosine 390 retained).
Molecular consequence: synonymous variant. On other transcripts: intron variant (1).
Genome position (GRCh38, 1-based): chr7:116,700,254, C>T. VCF-style: chr7-116700254-C-T. GRCh37 (hg19) VCF-style: chr7-116340308-C-T.
Other names: c.1170C>T, p.Tyr390= (NM_001127500.3, NM_001324401.3); c.-91+27677C>T (NM_001324402.2); c.1170C>T (NM_001127500.2).
Identifiers: ClinVar variation 215785 (VCV000215785.18), dbSNP rs45552236, ClinGen allele CA336602.

ClinVar aggregate classification (germline): Benign/Likely benign. Review status: criteria provided, multiple submitters, no conflicts (2 of 4 stars). 6 submissions from 6 submitters: Benign (1); Likely benign (5). Last evaluated 2026-09-14.

Conditions:
Renal cell carcinoma. Identifiers: Orphanet 217071, MedGen C0007134, MeSH D002292, MONDO:0005086, HP:0005584.
MET-related disorder. Also called: MET-related condition.
Hereditary cancer-predisposing syndrome. Also called: Neoplastic Syndromes, Hereditary; Tumor predisposition; Hereditary Cancer Syndrome; Hereditary neoplastic syndrome. Identifiers: Orphanet 140162, MedGen C0027672, MeSH D009386, MONDO:0015356.
Papillary renal cell carcinoma type 1 (RCCP1). Also called: Renal adenocarcinoma; Renal cell carcinoma 1; Renal cell carcinoma, somatic; RENAL CELL CARCINOMA, PAPILLARY, 1, SOMATIC. Identifiers: Orphanet 47044, MedGen C1336839, OMIM 605074, HP:0011797.

Allele frequency attached by ClinVar (database versions not stated): gnomAD below 0.00001 and 0.00001; gnomAD exomes 0.00001; TOPMed 0.00002; ExAC 0.00003.
gnomAD v4.1: 17 of 1,602,830 alleles (0.0011%); highest among the groups gnomAD compares: South Asian, 0.009%; no homozygotes.

Submissions (6):

PreventionGenetics, part of Exact Sciences
Classification: Likely benign for MET-related condition. Last evaluated: 2026-09-14. Review status: criteria provided, single submitter. Criteria: ACMG Guidelines, 2015. Collection method: clinical testing. Allele origin: germline.
Comment: This variant is classified as likely benign based on ACMG/AMP sequence variant interpretation guidelines (Richards et al. 2015 PMID: 25741868, with internal and published modifications).

Labcorp Genetics (formerly Invitae), Labcorp
Classification: Likely benign for Renal cell carcinoma. Last evaluated: 2026-01-26. Review status: criteria provided, single submitter. Criteria: Invitae Variant Classification Sherloc (09022015). Collection method: clinical testing. Allele origin: germline.

Center for Genomic Medicine, Rigshospitalet, Copenhagen University Hospital
Classification: Likely benign. Last evaluated: 2025-12-29. Review status: criteria provided, single submitter. Criteria: ACMG Guidelines, 2015. Collection method: clinical testing. Allele origin: germline.

Myriad Genetics, Inc.
Classification: Benign for Papillary renal cell carcinoma type 1. Last evaluated: 2024-11-07. Review status: criteria provided, single submitter. Criteria: Myriad Autosomal Dominant, Autosomal Recessive and X-Linked Classification Criteria (2023). Collection method: clinical testing. Allele origin: unknown.
Comment: This variant is considered benign. This variant is a silent/synonymous amino acid change and it is not expected to impact splicing.

Blueprint Genetics
Classification: Likely benign. Last evaluated: 2024-04-24. Review status: criteria provided, single submitter. Criteria: ACMG Guidelines, 2015. Collection method: clinical testing. Allele origin: germline.

Ambry Genetics
Classification: Likely benign for Hereditary cancer-predisposing syndrome. Last evaluated: 2015-09-16. Review status: criteria provided, single submitter. Criteria: Ambry Variant Classification Scheme 2023. Collection method: clinical testing. Allele origin: germline.